The following is an entry in ClinVar:

NM_000228.3(LAMB3):c.1597+1G>T

Gene: LAMB3 (laminin subunit beta 3; minus strand). Cytogenetic location: 1q32.2.
Variant type: single nucleotide variant.
Coding change: c.1597+1G>T on transcript NM_000228.3 (MANE Select); the canonical splice donor site of the intron after coding-DNA position 1597, G replaced by T.
Molecular consequence: splice donor variant.
Genome position (GRCh38, 1-based): chr1:209,626,866, C>A on the plus strand (G>T on the coding strand, the complement: LAMB3 is on the minus strand). VCF-style: chr1-209626866-C-A. GRCh37 (hg19) VCF-style: chr1-209800211-C-A.
Other names: c.1597+1G>T (NM_001127641.1, NM_001017402.2).
Identifiers: ClinVar variation 556337 (VCV000556337.6), dbSNP rs1553277072, ClinGen allele CA344590046.

ClinVar aggregate classification (germline): Likely pathogenic. Review status: criteria provided, multiple submitters, no conflicts (2 of 4 stars). 3 submissions from 3 submitters: Likely pathogenic (2). 1 of the submissions does not count toward it. Last evaluated 2024-01-31.

Conditions:
Junctional epidermolysis bullosa gravis of Herlitz. Also called: EPIDERMOLYSIS BULLOSA, JUNCTIONAL 1B, SEVERE; EPIDERMOLYSIS BULLOSA JUNCTIONALIS, HERLITZ TYPE; EPIDERMOLYSIS BULLOSA, JUNCTIONAL, HERLITZ-PEARSON TYPE; JEB-HERLITZ TYPE; Epidermolysis Bullosa Letalis; Herlitz-type junctional epidermolysis bullosa. Identifiers: Orphanet 79404, MedGen C0079683, MONDO:0009182, OMIM 226700.
Junctional epidermolysis bullosa, non-Herlitz type. Also called: EPIDERMOLYSIS BULLOSA, JUNCTIONAL 1A, INTERMEDIATE; COL17A1-Related Junctional Epidermolysis Bullosa; EPIDERMOLYSIS BULLOSA JUNCTIONALIS, DISENTIS TYPE; EPIDERMOLYSIS BULLOSA JUNCTIONALIS, NON-HERLITZ TYPE; EPIDERMOLYSIS BULLOSA JUNCTIONALIS, PROGRESSIVE; EPIDERMOLYSIS BULLOSA JUNCTIONALIS, SEVERE NONLETHAL. Identifiers: Orphanet 251393, Orphanet 79402, Orphanet 79405, Orphanet 89840, MedGen C0268374, MONDO:0009180, OMIM 226650.
Amelogenesis imperfecta type 1A. Also called: Amelogenesis imperfecta local hypoplastic; Amelogenesis imperfecta, hypoplastic type; Amelogenesis imperfecta, type IA; AMELOGENESIS IMPERFECTA, HYPOPLASTIC TYPE IA. Identifiers: Orphanet 88661, MedGen C4011403, MONDO:0007094, OMIM 104530.

Allele frequency attached by ClinVar (database versions not stated): TOPMed below 0.00001; gnomAD 0.00001.

Submissions (3):

Fulgent Genetics
Classification: Likely pathogenic for Amelogenesis imperfecta type 1A; Junctional epidermolysis bullosa, non-Herlitz type; Junctional epidermolysis bullosa gravis of Herlitz. Last evaluated: 2024-01-31. Review status: criteria provided, single submitter. Criteria: ACMG Guidelines, 2015. Collection method: clinical testing. Allele origin: germline.

Labcorp Genetics (formerly Invitae), Labcorp
Classification: Likely pathogenic. Last evaluated: 2023-06-29. Review status: criteria provided, single submitter. Criteria: Invitae Variant Classification Sherloc (09022015). Collection method: clinical testing. Allele origin: germline.
Comment: This sequence change affects a donor splice site in intron 13 of the LAMB3 gene. It is expected to disrupt RNA splicing. Variants that disrupt the donor or acceptor splice site typically lead to a loss of protein function (PMID: 16199547), and loss-of-function variants in LAMB3 are known to be pathogenic (PMID: 11023379, 16473856). This variant is not present in population databases (gnomAD no frequency). In summary, the currently available evidence indicates that the variant is pathogenic, but additional data are needed to prove that conclusively. Therefore, this variant has been classified as Likely Pathogenic. Algorithms developed to predict the effect of sequence changes on RNA splicing suggest that this variant may disrupt the consensus splice site. ClinVar contains an entry for this variant (Variation ID: 556337). This variant has not been reported in the literature in individuals affected with LAMB3-related conditions.

Counsyl
Classification: Likely pathogenic for Junctional epidermolysis bullosa gravis of Herlitz. Last evaluated: 2018-01-24. Review status: no assertion criteria provided. Collection method: clinical testing. Allele origin: unknown. Not counted in ClinVar's aggregate classification.

Literature cited by the submitters: PubMed 16199547 (cited by Labcorp Genetics (formerly Invitae), Labcorp); PubMed 11023379 (cited by Labcorp Genetics (formerly Invitae), Labcorp); PubMed 16473856 (cited by Labcorp Genetics (formerly Invitae), Labcorp).